The following is an entry in ClinVar:

NM_002907.4(RECQL):c.1378C>T (p.Gln460Ter)

Gene: RECQL (RecQ like helicase; minus strand). Cytogenetic location: 12p12.1.
Variant type: single nucleotide variant.
Coding change: c.1378C>T on transcript NM_002907.4 (MANE Select); coding-DNA position 1378, C replaced by T.
Protein change: p.Gln460Ter; replaces glutamine 460 with a stop codon.
Molecular consequence: nonsense.
Genome position (GRCh38, 1-based): chr12:21,473,620, G>A on the plus strand (C>T on the coding strand, the complement: RECQL is on the minus strand). VCF-style: chr12-21473620-G-A. GRCh37 (hg19) VCF-style: chr12-21626554-G-A.
Other names: c.1378C>T, p.Gln460Ter (NM_032941.3); short protein forms Q460*.
Identifiers: ClinVar variation 1771220 (VCV001771220.5), dbSNP rs1943027075, ClinGen allele CA384117660.

ClinVar aggregate classification (germline): Uncertain significance. Review status: criteria provided, multiple submitters, no conflicts (2 of 4 stars). 2 submissions from 2 submitters: Uncertain significance (2). Last evaluated 2024-07-21.

Allele frequency attached by ClinVar (database versions not stated): gnomAD exomes below 0.00001.
gnomAD v4.1: 1 of 1,612,628 alleles (0.000062%); highest among the groups gnomAD compares: Non-Finnish European, 0.000085%; no homozygotes.

Submissions (2):

Labcorp Genetics (formerly Invitae), Labcorp
Classification: Uncertain significance. Last evaluated: 2024-07-21. Review status: criteria provided, single submitter. Criteria: Invitae Variant Classification Sherloc (09022015). Collection method: clinical testing. Allele origin: germline.
Comment: This sequence change creates a premature translational stop signal (p.Gln460*) in the RECQL gene. It is expected to result in an absent or disrupted protein product. However, the current clinical and genetic evidence is not sufficient to establish whether loss-of-function variants in RECQL cause disease. This variant is not present in population databases (gnomAD no frequency). This variant has not been reported in the literature in individuals affected with RECQL-related conditions. ClinVar contains an entry for this variant (Variation ID: 1771220). In summary, the available evidence is currently insufficient to determine the role of this variant in disease. Therefore, it has been classified as a Variant of Uncertain Significance.

Ambry Genetics
Classification: Uncertain significance. Last evaluated: 2023-02-01. Review status: criteria provided, single submitter. Criteria: Ambry Variant Classification Scheme 2023. Collection method: clinical testing. Allele origin: germline.
Comment: The p.Q460* variant (also known as c.1378C>T), located in coding exon 11 of the RECQL gene, results from a C to T substitution at nucleotide position 1378. This changes the amino acid from a glutamine to a stop codon within coding exon 11. This alteration is expected to result in premature protein truncation or nonsense-mediated mRNA decay. The evidence for this gene-disease relationship is limited; therefore, the clinical significance of this alteration is unclear.